The following is an entry in ClinVar:

NM_015213.4(DENND5A):c.2776G>A (p.Glu926Lys)

Gene: DENND5A (DENN domain containing 5A; minus strand). Cytogenetic location: 11p15.4.
Variant type: single nucleotide variant.
Coding change: c.2776G>A on transcript NM_015213.4 (MANE Select); coding-DNA position 2776, G replaced by A.
Protein change: p.Glu926Lys; replaces glutamic acid 926 with lysine.
Molecular consequence: missense variant. On other transcripts: non-coding transcript variant (1).
Genome position (GRCh38, 1-based): chr11:9,147,111, C>T on the plus strand (G>A on the coding strand, the complement: DENND5A is on the minus strand). VCF-style: chr11-9147111-C-T. GRCh37 (hg19) VCF-style: chr11-9168658-C-T.
Other names: c.2776G>A, p.Glu926Lys (NM_001243254.2); c.2704G>A, p.Glu902Lys (NM_001348749.2); c.2488G>A, p.Glu830Lys (NM_001348750.2); short protein forms E830K, E902K, E926K.
Identifiers: ClinVar variation 1396601 (VCV001396601.6), dbSNP rs1554910778, ClinGen allele CA379604376.
Genomic context (GRCh38, chr11:9,147,111, plus strand): 5'-TGAAGCAAAAGTAATCGACGGCATTGAAAGACAGGAGGTGATAGAGGAACTGCTCCTTCT[C>T]GTCATCACAGCGCAGGAAGGCATAGCGCTTATATAACTTTCTGTTGGAGAGGAGGTAATA-3'
Protein context (NP_056028.2, residues 916-936): KRYAFLRCDD[Glu926Lys]KEQFLYHLLS

ClinVar aggregate classification (germline): Uncertain significance (1 of 4 stars; one submission).

Allele frequency attached by ClinVar (database versions not stated): gnomAD exomes below 0.00001; TOPMed below 0.00001.
gnomAD v4.1: 6 of 1,614,064 alleles (0.00037%); highest among the groups gnomAD compares: Non-Finnish European, 0.00051%; no homozygotes.

Submission:

Labcorp Genetics (formerly Invitae), Labcorp
Classification: Uncertain significance. Last evaluated: 2022-06-28. Review status: criteria provided, single submitter. Criteria: Invitae Variant Classification Sherloc (09022015). Collection method: clinical testing. Allele origin: germline.
Comment: In summary, the available evidence is currently insufficient to determine the role of this variant in disease. Therefore, it has been classified as a Variant of Uncertain Significance. Algorithms developed to predict the effect of missense changes on protein structure and function are either unavailable or do not agree on the potential impact of this missense change (SIFT: "Deleterious"; PolyPhen-2: "Possibly Damaging"; Align-GVGD: "Class C0"). This variant has not been reported in the literature in individuals affected with DENND5A-related conditions. This variant is not present in population databases (gnomAD no frequency). This sequence change replaces glutamic acid, which is acidic and polar, with lysine, which is basic and polar, at codon 926 of the DENND5A protein (p.Glu926Lys).